The following is an entry in ClinVar:

NM_002496.4(NDUFS8):c.313C>T (p.Pro105Ser)

Gene: NDUFS8 (NADH:ubiquinone oxidoreductase core subunit S8; plus strand). Cytogenetic location: 11q13.2.
Variant type: single nucleotide variant.
Coding change: c.313C>T on transcript NM_002496.4 (MANE Select); coding-DNA position 313, C replaced by T.
Protein change: p.Pro105Ser; replaces proline 105 with serine.
Molecular consequence: missense variant.
Genome position (GRCh38, 1-based): chr11:68,033,224, C>T. VCF-style: chr11-68033224-C-T. GRCh37 (hg19) VCF-style: chr11-67800691-C-T.
Other names: p.P105S:CCA>TCA; short protein forms P105S.
Identifiers: ClinVar variation 214837 (VCV000214837.3), dbSNP rs863224114, ClinGen allele CA320261.

ClinVar aggregate classification (germline): Uncertain significance (1 of 4 stars; one submission).

Allele frequency attached by ClinVar (database versions not stated): gnomAD 0.00001.

Submission:

GeneDx
Classification: Uncertain significance. Last evaluated: 2025-03-02. Review status: criteria provided, single submitter. Criteria: GeneDx Variant Classification Process June 2021. Collection method: clinical testing. Allele origin: germline. Affected: yes.
Comment: Not observed at significant frequency in large population cohorts (gnomAD); In silico analysis supports that this missense variant has a deleterious effect on protein structure/function; Has not been previously published as pathogenic or benign to our knowledge